The following is an entry in ClinVar:

ClinVar aggregate classification (germline): Likely benign (1 of 4 stars; one submission).

gnomAD v4.1: 4 of 1,503,476 alleles (0.00027%); highest among the groups gnomAD compares: Non-Finnish European, 0.00036%; no homozygotes.

Submission:

CeGaT Center for Human Genetics Tuebingen
Classification: Likely benign. Last evaluated: 2024-10-01. Review status: criteria provided, single submitter. Criteria: CeGaT Center For Human Genetics Tuebingen Variant Classification Criteria Version 2. Collection method: clinical testing. Allele origin: germline. Affected: yes. Observed: 1 variant allele.
Comment: PIEZO1: BP4, BP7

NM_001142864.4(PIEZO1):c.3081C>T (p.Thr1027=)

Genes: HSALR1 (HSP90AB1 associated lncRNA 1; plus strand), PIEZO1 (piezo type mechanosensitive ion channel component 1 (Er blood group); minus strand). Cytogenetic location: 16q24.3.
Variant type: single nucleotide variant.
Coding change: c.3081C>T on transcript NM_001142864.4 (MANE Select); coding-DNA position 3081, C replaced by T.
Protein change: p.Thr1027=; no amino-acid change (threonine 1027 retained).
Molecular consequence: synonymous variant.
Genome position (GRCh38, 1-based): chr16:88,731,821, G>A on the plus strand (C>T on the coding strand, the complement: PIEZO1 is on the minus strand). VCF-style: chr16-88731821-G-A. GRCh37 (hg19) VCF-style: chr16-88798229-G-A.
Identifiers: ClinVar variation 3390011 (VCV003390011.14).